The following is an entry in ClinVar:

NM_018230.3(NUP133):c.1747G>A (p.Val583Ile)

Gene: NUP133 (nucleoporin 133; minus strand). Cytogenetic location: 1q42.13.
Variant type: single nucleotide variant.
Coding change: c.1747G>A on transcript NM_018230.3 (MANE Select); coding-DNA position 1747, G replaced by A.
Protein change: p.Val583Ile; replaces valine 583 with isoleucine.
Molecular consequence: missense variant.
Genome position (GRCh38, 1-based): chr1:229,477,606, C>T on the plus strand (G>A on the coding strand, the complement: NUP133 is on the minus strand). VCF-style: chr1-229477606-C-T. GRCh37 (hg19) VCF-style: chr1-229613353-C-T.
Other names: short protein forms V583I.
Identifiers: ClinVar variation 4811235 (VCV004811235.1).

ClinVar aggregate classification (germline): Uncertain significance (1 of 4 stars; one submission).

gnomAD v4.1: 5 of 1,611,544 alleles (0.00031%); highest among the groups gnomAD compares: Admixed American, 0.0067%; no homozygotes.

Submission:

Labcorp Genetics (formerly Invitae), Labcorp
Classification: Uncertain significance. Last evaluated: 2025-06-12. Review status: criteria provided, single submitter. Criteria: Invitae Variant Classification Sherloc (09022015). Collection method: clinical testing. Allele origin: germline.
Comment: This sequence change replaces valine, which is neutral and non-polar, with isoleucine, which is neutral and non-polar, at codon 583 of the NUP133 protein (p.Val583Ile). This variant is present in population databases (no rsID available, gnomAD 0.003%). This variant has not been reported in the literature in individuals affected with NUP133-related conditions. An algorithm developed to predict the effect of missense changes on protein structure and function (PolyPhen-2) suggests that this variant is likely to be disruptive. In summary, the available evidence is currently insufficient to determine the role of this variant in disease. Therefore, it has been classified as a Variant of Uncertain Significance.